The following is an entry in ClinVar:

NM_001849.4(COL6A2):c.1970-3C>T

Gene: COL6A2 (collagen type VI alpha 2 chain; plus strand). Cytogenetic location: 21q22.3.
Variant type: single nucleotide variant.
Coding change: c.1970-3C>T on transcript NM_001849.4 (MANE Select); 3 bases into the intron before coding-DNA position 1970, C replaced by T.
Molecular consequence: intron variant.
Genome position (GRCh38, 1-based): chr21:46,125,782, C>T. VCF-style: chr21-46125782-C-T. GRCh37 (hg19) VCF-style: chr21-47545696-C-T.
Other names: c.1970-3C>T (NM_058175.3, NM_058174.3).
Identifiers: ClinVar variation 1494279 (VCV001494279.6), dbSNP rs201879417, ClinGen allele CA321972556.

ClinVar aggregate classification (germline): Uncertain significance (1 of 4 stars; one submission).

Conditions:
Bethlem myopathy 1A. Also called: Bethlem myopathy 1; Bethlem Muscular Dystrophy; MYOPATHY, BENIGN CONGENITAL, WITH CONTRACTURES. Identifiers: Orphanet 610, MedGen CN029274, MONDO:0024530, OMIM 158810.

Submission:

Labcorp Genetics (formerly Invitae), Labcorp
Classification: Uncertain significance for Bethlem myopathy 1A. Last evaluated: 2023-07-21. Review status: criteria provided, single submitter. Criteria: Invitae Variant Classification Sherloc (09022015). Collection method: clinical testing. Allele origin: germline.
Comment: In summary, the available evidence is currently insufficient to determine the role of this variant in disease. Therefore, it has been classified as a Variant of Uncertain Significance. Variants that disrupt the consensus splice site are a relatively common cause of aberrant splicing (PMID: 17576681, 9536098). Algorithms developed to predict the effect of sequence changes on RNA splicing suggest that this variant is not likely to affect RNA splicing. ClinVar contains an entry for this variant (Variation ID: 1494279). This variant has not been reported in the literature in individuals affected with COL6A2-related conditions. This variant is not present in population databases (gnomAD no frequency). This sequence change falls in intron 25 of the COL6A2 gene. It does not directly change the encoded amino acid sequence of the COL6A2 protein. It affects a nucleotide within the consensus splice site.

Literature cited by the submitters: PubMed 17576681; PubMed 9536098.